The following is an entry in ClinVar:

ClinVar aggregate classification (germline): Uncertain significance (1 of 4 stars; one submission).

Allele frequency attached by ClinVar (database versions not stated): gnomAD exomes below 0.00001; ExAC 0.00001.
gnomAD v4.1: 2 of 1,612,508 alleles (0.00012%); highest among the groups gnomAD compares: Non-Finnish European, 0.00017%; no homozygotes.

Submission:

Ambry Genetics
Classification: Uncertain significance. Last evaluated: 2024-01-14. Review status: criteria provided, single submitter. Criteria: Ambry Variant Classification Scheme 2023. Collection method: clinical testing. Allele origin: germline.
Comment: The p.S650N variant (also known as c.1949G>A), located in coding exon 3 of the ALPK2 gene, results from a G to A substitution at nucleotide position 1949. The serine at codon 650 is replaced by asparagine, an amino acid with highly similar properties. This amino acid position is conserved. In addition, this alteration is predicted to be tolerated by in silico analysis. Since supporting evidence is limited at this time, the clinical significance of this alteration remains unclear.

NM_052947.4(ALPK2):c.1949G>A (p.Ser650Asn)

Gene: ALPK2 (alpha kinase 2; minus strand). Cytogenetic location: 18q21.31.
Variant type: single nucleotide variant.
Coding change: c.1949G>A on transcript NM_052947.4 (MANE Select); coding-DNA position 1949, G replaced by A.
Protein change: p.Ser650Asn; replaces serine 650 with asparagine.
Molecular consequence: missense variant.
Genome position (GRCh38, 1-based): chr18:58,578,827, C>T on the plus strand (G>A on the coding strand, the complement: ALPK2 is on the minus strand). VCF-style: chr18-58578827-C-T. GRCh37 (hg19) VCF-style: chr18-56246059-C-T.
Other names: short protein forms S650N.
Identifiers: ClinVar variation 3228596 (VCV003228596.1), dbSNP rs759378256, ClinGen allele CA8977170.